The following is an entry in ClinVar:

NM_001378743.1(CYLD):c.*3119del

Genes: CYLD (CYLD lysine 63 deubiquitinase; plus strand), CYLD-AS2 (CYLD antisense RNA 2; minus strand). Cytogenetic location: 16q12.1.
Variant type: Deletion.
Coding change: c.*3119del on transcript NM_001378743.1 (MANE Select); 3119 bases downstream of the stop codon, one base deleted (T; older notation c.*3119delT).
Molecular consequence: 3 prime UTR variant. On other transcripts: non-coding transcript variant (1).
Genome position (GRCh38, 1-based): chr16:50,799,627, T deleted; the last of 8 consecutive T bases (chr16:50,799,620-50,799,627); deleting any one gives the same sequence. VCF-style (leftmost placement, unchanged base first): chr16-50799619-AT-A. GRCh37 (hg19) VCF-style: chr16-50833530-AT-A.
Other names: c.*3119del (NM_001042355.2, NM_001042412.3, NM_001378744.1 and 12 more transcripts).
Identifiers: ClinVar variation 319548 (VCV000319548.29), dbSNP rs149875014, ClinGen allele CA10648524.

ClinVar aggregate classification (germline): Likely benign (1 of 4 stars; one submission).

Submission:

CeGaT Center for Human Genetics Tuebingen
Classification: Likely benign. Last evaluated: 2023-06-01. Review status: criteria provided, single submitter. Criteria: CeGaT Center For Human Genetics Tuebingen Variant Classification Criteria Version 2. Collection method: clinical testing. Allele origin: germline. Affected: yes. Observed: 10 variant alleles.
Comment: CYLD: BS1